The following is an entry in ClinVar:

NM_004187.5(KDM5C):c.1961G>A (p.Cys654Tyr)

Gene: KDM5C (lysine demethylase 5C; minus strand). Cytogenetic location: Xp11.22.
Variant type: single nucleotide variant.
Coding change: c.1961G>A on transcript NM_004187.5 (MANE Select); coding-DNA position 1961, G replaced by A.
Protein change: p.Cys654Tyr; replaces cysteine 654 with tyrosine.
Molecular consequence: missense variant. On other transcripts: non-coding transcript variant (3).
Genome position (GRCh38, 1-based): chrX:53,201,650, C>T on the plus strand (G>A on the coding strand, the complement: KDM5C is on the minus strand). VCF-style: chrX-53201650-C-T. GRCh37 (hg19) VCF-style: chrX-53230832-C-T.
Other names: c.1760G>A, p.Cys587Tyr (NM_001146702.2); c.1958G>A, p.Cys653Tyr (NM_001282622.3, NM_001353979.2, NM_001353982.2); c.1961G>A, p.Cys654Tyr (NM_001353978.3, NM_001353981.2, NM_001353984.2); short protein forms C587Y, C653Y, C654Y.
Identifiers: ClinVar variation 1312854 (VCV001312854.2), dbSNP rs2146865683, ClinGen allele CA413123289.

ClinVar aggregate classification (germline): Uncertain significance (1 of 4 stars; one submission).

Submission:

GeneDx
Classification: Uncertain significance. Last evaluated: 2020-06-29. Review status: criteria provided, single submitter. Criteria: GeneDx Variant Classification Process June 2021. Collection method: clinical testing. Allele origin: germline. Affected: yes.
Comment: Not observed in large population cohorts (Lek et al., 2016); In silico analysis supports that this missense variant does not alter protein structure/function; Has not been previously published as pathogenic or benign to our knowledge